The following is an entry in ClinVar:

NM_013447.4(ADGRE2):c.235T>C (p.Cys79Arg)

Gene: ADGRE2 (adhesion G protein-coupled receptor E2; minus strand). Cytogenetic location: 19p13.12.
Variant type: single nucleotide variant.
Coding change: c.235T>C on transcript NM_013447.4 (MANE Select); coding-DNA position 235, T replaced by C.
Protein change: p.Cys79Arg; replaces cysteine 79 with arginine.
Molecular consequence: missense variant.
Genome position (GRCh38, 1-based): chr19:14,772,462, A>G on the plus strand (T>C on the coding strand, the complement: ADGRE2 is on the minus strand). VCF-style: chr19-14772462-A-G. GRCh37 (hg19) VCF-style: chr19-14883274-A-G.
Other names: c.235T>C, p.Cys79Arg (NM_001271052.1, NM_152916.2, NM_152917.2); short protein forms C79R.
Identifiers: ClinVar variation 3682837 (VCV003682837.2).

ClinVar aggregate classification (germline): Uncertain significance (1 of 4 stars; one submission).

gnomAD v4.1: 61 of 1,613,876 alleles (0.0038%); highest among the groups gnomAD compares: Non-Finnish European, 0.005%; no homozygotes.

Submission:

Labcorp Genetics (formerly Invitae), Labcorp
Classification: Uncertain significance. Last evaluated: 2024-08-31. Review status: criteria provided, single submitter. Criteria: Invitae Variant Classification Sherloc (09022015). Collection method: clinical testing. Allele origin: germline.
Comment: This sequence change replaces cysteine, which is neutral and slightly polar, with arginine, which is basic and polar, at codon 79 of the ADGRE2 protein (p.Cys79Arg). This variant is present in population databases (rs747287302, gnomAD 0.002%). This variant has not been reported in the literature in individuals affected with ADGRE2-related conditions. An algorithm developed to predict the effect of missense changes on protein structure and function (PolyPhen-2) suggests that this variant is likely to be disruptive. In summary, the available evidence is currently insufficient to determine the role of this variant in disease. Therefore, it has been classified as a Variant of Uncertain Significance.